The following is an entry in ClinVar:

NM_006096.4(NDRG1):c.634C>T (p.Arg212Cys)

Gene: NDRG1 (N-myc downstream regulated 1; minus strand). Cytogenetic location: 8q24.22.
Variant type: single nucleotide variant.
Coding change: c.634C>T on transcript NM_006096.4 (MANE Select); coding-DNA position 634, C replaced by T.
Protein change: p.Arg212Cys; replaces arginine 212 with cysteine.
Molecular consequence: missense variant.
Genome position (GRCh38, 1-based): chr8:133,250,504, G>A on the plus strand (C>T on the coding strand, the complement: NDRG1 is on the minus strand). VCF-style: chr8-133250504-G-A. GRCh37 (hg19) VCF-style: chr8-134262747-G-A.
Other names: c.634C>T, p.Arg212Cys (NM_001135242.2, NM_001374845.1, NM_001374846.1); c.436C>T, p.Arg146Cys (NM_001258432.2, NM_001374847.1); c.391C>T, p.Arg131Cys (NM_001258433.2); c.685C>T, p.Arg229Cys (NM_001374844.1); short protein forms R131C, R229C, R146C, R212C.
Identifiers: ClinVar variation 908559 (VCV000908559.13), dbSNP rs138285479, ClinGen allele CA4886654.
Genomic context (GRCh38, chr8:133,250,504, plus strand): 5'-TGTAGGCATTGATGAACAGGTGCAGGTTGCCGGGGTTCATGTCATTCACAATGTGCTGGC[G>A]GTAGGTGTGGACCACTTCCACGTTACTCTGCATTTCTTCCTGCATTTAGAGAGGTGAGAA-3'
Protein context (NP_006087.2, residues 202-222): QSNVEVVHTY[Arg212Cys]QHIVNDMNPG

ClinVar aggregate classification (germline): Uncertain significance. Review status: criteria provided, multiple submitters, no conflicts (2 of 4 stars). 6 submissions from 6 submitters: Uncertain significance (4). 2 of the submissions do not count toward it. Last evaluated 2022-03-18.

Conditions:
Charcot-Marie-Tooth disease. Also called: Charcot-Marie-Tooth Neuropathy; Charcot-Marie-Tooth Hereditary Neuropathy. Identifiers: Orphanet 166, MedGen C0007959, MONDO:0015626.
NDRG1-related disorder. Also called: NDRG1-related condition.
Charcot-Marie-Tooth disease type 4. Also called: Charcot-Marie-Tooth disease, type IV; Charcot-Marie-Tooth, Type 4. Identifiers: Orphanet 64749, MedGen C4082197, MONDO:0018995.
Charcot-Marie-Tooth disease type 4D. Also called: Charcot-Marie-Tooth Neuropathy Type 4D; CHARCOT-MARIE-TOOTH DISEASE, DEMYELINATING, TYPE 4D; CHARCOT-MARIE-TOOTH DISEASE, DEMYELINATING, AUTOSOMAL RECESSIVE, TYPE 4D; NEUROPATHY, HEREDITARY MOTOR AND SENSORY, LOM TYPE. Identifiers: Orphanet 99950, MedGen C1832334, MONDO:0011085, OMIM 601455.

Allele frequency attached by ClinVar (database versions not stated): gnomAD 0.00002 and 0.00005; TOPMed 0.00005; gnomAD exomes 0.00006 and 0.00016; ExAC 0.00012; 1000 Genomes Project 0.00040; 1000 Genomes Project 30x 0.00047.
gnomAD v4.1: 99 of 1,614,038 alleles (0.0061%); highest among the groups gnomAD compares: East Asian, 0.2%; no homozygotes.

Submissions (6):

Labcorp Genetics (formerly Invitae), Labcorp
Classification: Uncertain significance for Charcot-Marie-Tooth disease type 4. Last evaluated: 2022-03-18. Review status: criteria provided, single submitter. Criteria: Invitae Variant Classification Sherloc (09022015). Collection method: clinical testing. Allele origin: germline.
Comment: This sequence change replaces arginine, which is basic and polar, with cysteine, which is neutral and slightly polar, at codon 212 of the NDRG1 protein (p.Arg212Cys). This variant is present in population databases (rs138285479, gnomAD 0.2%). This variant has not been reported in the literature in individuals affected with NDRG1-related conditions. ClinVar contains an entry for this variant (Variation ID: 908559). Algorithms developed to predict the effect of missense changes on protein structure and function are either unavailable or do not agree on the potential impact of this missense change (SIFT: "Deleterious"; PolyPhen-2: "Probably Damaging"; Align-GVGD: "Class C15"). In summary, the available evidence is currently insufficient to determine the role of this variant in disease. Therefore, it has been classified as a Variant of Uncertain Significance.

GeneDx
Classification: Uncertain significance. Last evaluated: 2021-08-05. Review status: criteria provided, single submitter. Criteria: GeneDx Variant Classification Process June 2021. Collection method: clinical testing. Allele origin: germline. Affected: yes.
Comment: In silico analysis supports that this missense variant has a deleterious effect on protein structure/function; Has not been previously published as pathogenic or benign to our knowledge; This variant is associated with the following publications: (PMID: 27535533)

Illumina Laboratory Services, Illumina
Classification: Uncertain significance for Charcot-Marie-Tooth disease type 4D. Last evaluated: 2018-01-13. Review status: criteria provided, single submitter. Criteria: ICSL Variant Classification Criteria 13 December 2019. Collection method: clinical testing. Allele origin: germline.

Molecular Genetics Laboratory, London Health Sciences Centre
Classification: Uncertain significance for Charcot-Marie-Tooth disease. Review status: criteria provided, single submitter. Criteria: ACMG Guidelines, 2015. Collection method: clinical testing. Allele origin: germline. Affected: yes.

PreventionGenetics, part of Exact Sciences
Classification: Likely benign for NDRG1-related condition. Last evaluated: 2024-07-12. Review status: no assertion criteria provided. Collection method: clinical testing. Allele origin: germline. Not counted in ClinVar's aggregate classification.
Comment: This variant is classified as likely benign based on ACMG/AMP sequence variant interpretation guidelines (Richards et al. 2015 PMID: 25741868, with internal and published modifications).

Natera, Inc.
Classification: Uncertain significance for Charcot-Marie-Tooth disease type 4D. Last evaluated: 2020-01-15. Review status: no assertion criteria provided. Collection method: clinical testing. Allele origin: germline. Not counted in ClinVar's aggregate classification.